The following is an entry in ClinVar:

ClinVar aggregate classification (germline): Conflicting classifications of pathogenicity. Review status: criteria provided, conflicting classifications (1 of 4 stars). 2 submissions from 2 submitters: Uncertain significance (1); Likely benign (1). Last evaluated 2026-08-24.

Conditions:
Hereditary cancer-predisposing syndrome. Also called: Hereditary Cancer Syndrome; Hereditary neoplastic syndrome; Neoplastic Syndromes, Hereditary; Tumor predisposition. Identifiers: Orphanet 140162, MedGen C0027672, MeSH D009386, MONDO:0015356.
Hereditary nonpolyposis colorectal neoplasms. Identifiers: MedGen C0009405, MeSH D003123.

Submissions (2):

Ambry Genetics
Classification: Likely benign for Hereditary cancer-predisposing syndrome. Last evaluated: 2026-08-24. Review status: criteria provided, single submitter. Criteria: Ambry Variant Classification Scheme 2023. Collection method: clinical testing. Allele origin: germline.

Labcorp Genetics (formerly Invitae), Labcorp
Classification: Uncertain significance for Hereditary nonpolyposis colorectal neoplasms. Last evaluated: 2024-02-01. Review status: criteria provided, single submitter. Criteria: Invitae Variant Classification Sherloc (09022015). Collection method: clinical testing. Allele origin: germline.
Comment: This sequence change replaces alanine, which is neutral and non-polar, with glycine, which is neutral and non-polar, at codon 69 of the MSH6 protein (p.Ala69Gly). This variant is not present in population databases (gnomAD no frequency). This variant has not been reported in the literature in individuals affected with MSH6-related conditions. ClinVar contains an entry for this variant (Variation ID: 2453166). Advanced modeling of protein sequence and biophysical properties (such as structural, functional, and spatial information, amino acid conservation, physicochemical variation, residue mobility, and thermodynamic stability) performed at Invitae indicates that this missense variant is not expected to disrupt MSH6 protein function with a negative predictive value of 95%. In summary, the available evidence is currently insufficient to determine the role of this variant in disease. Therefore, it has been classified as a Variant of Uncertain Significance.

NM_000179.3(MSH6):c.206C>G (p.Ala69Gly)

Gene: MSH6 (mutS homolog 6; plus strand). Cytogenetic location: 2p16.3.
Variant type: single nucleotide variant.
Coding change: c.206C>G on transcript NM_000179.3 (MANE Select); coding-DNA position 206, C replaced by G.
Protein change: p.Ala69Gly; replaces alanine 69 with glycine.
Molecular consequence: missense variant. On other transcripts: 5 prime UTR variant (7), non-coding transcript variant (5), intron variant (5).
Genome position (GRCh38, 1-based): chr2:47,783,439, C>G. VCF-style: chr2-47783439-C-G. GRCh37 (hg19) VCF-style: chr2-48010578-C-G.
Other names: c.206C>G, p.Ala69Gly (NM_001281492.2, NM_001406795.1, NM_001406796.1 and 9 more transcripts); c.-531C>G (NM_001281493.2, NM_001406811.1); c.-123C>G (NM_001406799.1); c.151C>G, p.Arg51Gly (NM_001406804.1); c.-723C>G (NM_001406807.1); c.-378C>G (NM_001406812.1); c.-789C>G (NM_001406814.1); c.-334C>G (NM_001406816.1); and 3 more; short protein forms A69G, R51G.
Identifiers: ClinVar variation 2453166 (VCV002453166.6), dbSNP rs1558645360, ClinGen allele CA346735052.